The following is an entry in ClinVar:

NM_002637.4(PHKA1):c.2527-3T>G

Gene: PHKA1 (phosphorylase kinase regulatory subunit alpha 1; minus strand). Cytogenetic location: Xq13.1.
Variant type: single nucleotide variant.
Coding change: c.2527-3T>G on transcript NM_002637.4 (MANE Select); 3 bases into the intron before coding-DNA position 2527, T replaced by G.
Molecular consequence: intron variant.
Genome position (GRCh38, 1-based): chrX:72,609,706, A>C on the plus strand (T>G on the coding strand, the complement: PHKA1 is on the minus strand). VCF-style: chrX-72609706-A-C. GRCh37 (hg19) VCF-style: chrX-71829556-A-C.
Other names: c.2350-3T>G (NM_001440788.1, NM_001172436.2); c.2527-3T>G (NM_001440787.1, NM_001122670.2, NM_001431068.1).
Identifiers: ClinVar variation 4727586 (VCV004727586.1).

ClinVar aggregate classification (germline): Uncertain significance (1 of 4 stars; one submission).

Conditions:
Glycogen storage disease IXd (GSD9D). Also called: Muscle Phosphorylase Kinase Deficiency; GSD IXd. Identifiers: Orphanet 715, MedGen C1845151, MONDO:0010362, OMIM 300559.

Submission:

Labcorp Genetics (formerly Invitae), Labcorp
Classification: Uncertain significance for Glycogen storage disease IXd. Last evaluated: 2025-09-21. Review status: criteria provided, single submitter. Criteria: Invitae Variant Classification Sherloc (09022015). Collection method: clinical testing. Allele origin: germline.
Comment: This sequence change falls in intron 22 of the PHKA1 gene. It does not directly change the encoded amino acid sequence of the PHKA1 protein. It affects a nucleotide within the consensus splice site. This variant is not present in population databases (gnomAD no frequency). This variant has not been reported in the literature in individuals affected with PHKA1-related conditions. Variants that disrupt the consensus splice site are a relatively common cause of aberrant splicing (PMID: 17576681, 9536098). Algorithms developed to predict the effect of sequence changes on RNA splicing suggest that this variant may disrupt the consensus splice site. In summary, the available evidence is currently insufficient to determine the role of this variant in disease. Therefore, it has been classified as a Variant of Uncertain Significance.

Literature cited by the submitters: PubMed 17576681; PubMed 9536098.